The following is an entry in ClinVar:

NM_004415.4(DSP):c.8143G>T (p.Glu2715Ter)

Gene: DSP (desmoplakin; plus strand). Cytogenetic location: 6p24.3.
Variant type: single nucleotide variant.
Coding change: c.8143G>T on transcript NM_004415.4 (MANE Select); coding-DNA position 8143, G replaced by T.
Protein change: p.Glu2715Ter; replaces glutamic acid 2715 with a stop codon.
Molecular consequence: nonsense.
Genome position (GRCh38, 1-based): chr6:7,585,405, G>T. VCF-style: chr6-7585405-G-T. GRCh37 (hg19) VCF-style: chr6-7585638-G-T.
Other names: c.6346G>T, p.Glu2116Ter (NM_001008844.3); c.6814G>T, p.Glu2272Ter (NM_001319034.2); short protein forms E2272*, E2715*, E2116*.
Identifiers: ClinVar variation 925943 (VCV000925943.5), dbSNP rs1759621325, ClinGen allele CA362694531.

ClinVar aggregate classification (germline): Conflicting classifications of pathogenicity. Review status: criteria provided, conflicting classifications (1 of 4 stars). 2 submissions from 2 submitters: Likely pathogenic (1); Uncertain significance (1). Last evaluated 2024-07-24.

Conditions:
Cardiomyopathy (CMYO). Also called: Cardiomyopathies. Identifiers: Orphanet 167848, MedGen C0878544, MONDO:0004994, HP:0001638. Inheritance: Various modes of inheritance.
Cardiomyopathy, dilated, with wooly hair, keratoderma, and tooth agenesis. Also called: Cardiomyopathy, dilated, with woolly hair, keratoderma, and tooth agenesis; Erythrokeratodermia-cardiomyopathy syndrome. Identifiers: Orphanet 476096, Orphanet 65282, MedGen C4014393, MONDO:0014355, OMIM 615821.

Submissions (2):

Color Diagnostics, LLC DBA Color Health
Classification: Likely pathogenic for Cardiomyopathy. Last evaluated: 2024-07-24. Review status: criteria provided, single submitter. Criteria: ACMG Guidelines, 2015. Collection method: clinical testing. Allele origin: germline.
Comment: This variant changes 1 nucleotide in exon 24/24 of the DSP gene, creating a premature translation stop signal. This variant alters C-terminal plakin repeat domain C and is expected to disrupt DSP protein function (PMID: 12101406, 12802069, 21756917). To our knowledge, this variant has not been reported in individuals affected with DSP-related disorders in the literature. This variant has not been identified in the general population by the Genome Aggregation Database (gnomAD). Loss of DSP function is a known mechanism of disease. Based on the available evidence, this variant is classified as Likely Pathogenic.

3billion
Classification: Uncertain significance for Cardiomyopathy, dilated, with wooly hair, keratoderma, and tooth agenesis. Last evaluated: 2023-09-11. Review status: criteria provided, single submitter. Criteria: ACMG Guidelines, 2015. Collection method: clinical testing. Allele origin: germline. Affected: yes.
Comment: The variant is not observed in the gnomAD v2.1.1 dataset. Predicted Consequence/Location: Stop-gained (nonsense): predicted to result in a loss or disruption of normal protein function through protein truncation. The predicted truncated protein may be shortened by less than 10%. The variant has been reported to be associated with DSP related disorder (PMID: 35653365). However, the evidence of pathogenicity is insufficient at this time. Therefore, this variant is classified as VUS according to the recommendation of ACMG/AMP guideline.

Literature cited by the submitters: PubMed 12101406 (cited by Color Diagnostics, LLC DBA Color Health); PubMed 12802069 (cited by Color Diagnostics, LLC DBA Color Health); PubMed 21756917 (cited by Color Diagnostics, LLC DBA Color Health); PubMed 35653365 (cited by 3billion).